The following is an entry in ClinVar:

NM_001854.4(COL11A1):c.2097+18C>A

Gene: COL11A1 (collagen type XI alpha 1 chain; minus strand). Cytogenetic location: 1p21.1.
Variant type: single nucleotide variant.
Coding change: c.2097+18C>A on transcript NM_001854.4 (MANE Select); 18 bases into the intron after coding-DNA position 2097, C replaced by A.
Molecular consequence: intron variant.
Genome position (GRCh38, 1-based): chr1:103,002,410, G>T on the plus strand (C>A on the coding strand, the complement: COL11A1 is on the minus strand). VCF-style: chr1-103002410-G-T. GRCh37 (hg19) VCF-style: chr1-103467966-G-T.
Other names: c.1980+18C>A (NM_001190709.2); c.2133+18C>A (NM_080629.3); c.1749+18C>A (NM_080630.4).
Identifiers: ClinVar variation 506434 (VCV000506434.13), dbSNP rs75124465, ClinGen allele CA974625.

ClinVar aggregate classification (germline): Benign. Review status: criteria provided, multiple submitters, no conflicts (2 of 4 stars). 5 submissions from 5 submitters: Benign (5). Last evaluated 2026-05-11.

Allele frequency attached by ClinVar (database versions not stated): ExAC 0.00526; gnomAD 0.01139 and 0.01066; TOPMed 0.01141; 1000 Genomes Project 30x 0.01437; gnomAD exomes 0.00249 and 0.00089; 1000 Genomes Project 0.01318; ESP Exome Variant Server 0.01162.
gnomAD v4.1: 2,937 of 1,596,194 alleles (0.18%); highest among the groups gnomAD compares: African/African-American, 3.6%; 40 homozygotes.

Submissions (5):

Women's Health and Genetics/Laboratory Corporation of America, LabCorp
Classification: Benign. Last evaluated: 2026-05-11. Review status: criteria provided, single submitter. Criteria: LabCorp Variant Classification Summary - May 2015. Collection method: clinical testing. Allele origin: germline.

Labcorp Genetics (formerly Invitae), Labcorp
Classification: Benign. Last evaluated: 2026-01-29. Review status: criteria provided, single submitter. Criteria: Invitae Variant Classification Sherloc (09022015). Collection method: clinical testing. Allele origin: germline.

ARUP Laboratories, Molecular Genetics and Genomics, ARUP Laboratories
Classification: Benign. Last evaluated: 2025-04-10. Review status: criteria provided, single submitter. Criteria: ARUP Molecular Germline Variant Investigation Process 2024. Collection method: clinical testing. Allele origin: germline.

GeneDx
Classification: Benign. Last evaluated: 2017-09-27. Review status: criteria provided, single submitter. Criteria: GeneDx Variant Classification (06012015). Collection method: clinical testing. Allele origin: germline. Affected: yes.
Comment: This variant is considered likely benign or benign based on one or more of the following criteria: it is a conservative change, it occurs at a poorly conserved position in the protein, it is predicted to be benign by multiple in silico algorithms, and/or has population frequency not consistent with disease.

Breakthrough Genomics
Classification: Benign. Review status: criteria provided, single submitter. Criteria: ACMG Guidelines, 2015. Collection method: not provided. Allele origin: germline. Inheritance: Autosomal recessive inheritance. Affected: yes.